The following is an entry in ClinVar:

ClinVar aggregate classification (germline): Uncertain significance (1 of 4 stars; one submission).

gnomAD v4.1: 36 of 1,613,898 alleles (0.0022%); highest among the groups gnomAD compares: Non-Finnish European, 0.003%; no homozygotes.

Submission:

GeneDx
Classification: Uncertain significance. Last evaluated: 2024-05-21. Review status: criteria provided, single submitter. Criteria: GeneDx Variant Classification Process June 2021. Collection method: clinical testing. Allele origin: germline. Affected: yes.
Comment: In silico analysis indicates that this missense variant does not alter protein structure/function; Has not been previously published as pathogenic or benign to our knowledge

NM_005245.4(FAT1):c.4231A>G (p.Ile1411Val)

Gene: FAT1 (FAT atypical cadherin 1; minus strand). Cytogenetic location: 4q35.2.
Variant type: single nucleotide variant.
Coding change: c.4231A>G on transcript NM_005245.4 (MANE Select); coding-DNA position 4231, A replaced by G.
Protein change: p.Ile1411Val; replaces isoleucine 1411 with valine.
Molecular consequence: missense variant.
Genome position (GRCh38, 1-based): chr4:186,633,776, T>C on the plus strand (A>G on the coding strand, the complement: FAT1 is on the minus strand). VCF-style: chr4-186633776-T-C. GRCh37 (hg19) VCF-style: chr4-187554930-T-C.
Other names: short protein forms I1411V.
Identifiers: ClinVar variation 3381601 (VCV003381601.1).